The following is an entry in ClinVar:

NM_000466.3(PEX1):c.2926+1G>A

Genes: GATAD1 (GATA zinc finger domain containing 1; plus strand), PEX1 (peroxisomal biogenesis factor 1; minus strand). Cytogenetic location: 7q21.2.
Variant type: single nucleotide variant.
Coding change: c.2926+1G>A on transcript NM_000466.3 (MANE Select); the canonical splice donor site of the intron after coding-DNA position 2926, G replaced by A.
Molecular consequence: splice donor variant.
Genome position (GRCh38, 1-based): chr7:92,494,486, C>T on the plus strand (G>A on the coding strand, the complement: PEX1 is on the minus strand). VCF-style: chr7-92494486-C-T. GRCh37 (hg19) VCF-style: chr7-92123800-C-T.
Other names: c.2755+1G>A (NM_001282677.2); c.2302+1G>A (NM_001282678.2).
Identifiers: ClinVar variation 188729 (VCV000188729.39), dbSNP rs267608179, ClinGen allele CA273894.

ClinVar aggregate classification (germline): Pathogenic/Likely pathogenic. Review status: criteria provided, multiple submitters, no conflicts (2 of 4 stars). 11 submissions from 10 submitters: Pathogenic (9); Likely pathogenic (2). Last evaluated 2026-01-21.

Conditions:
Zellweger spectrum disorders (ZS). Also called: Zellweger syndrome; Zellweger Spectrum Disorder; Zellweger Spectrum; Zellweger Spectrum Disorder (ZSD). Identifiers: Orphanet 912, MedGen C0043459, MONDO:0019609.
Heimler syndrome 1 (HMLR1). Also called: PEROXISOME BIOGENESIS DISORDER 1C. Identifiers: Orphanet 3220, MedGen C4551980, OMIM 234580, MONDO:0024544.
Inborn genetic diseases. Identifiers: MedGen C0950123, MeSH D030342.
Peroxisome biogenesis disorder 1B (PBD1B). Also called: Refsum disease, infantile form; Infantile Refsum disease; Infantile form of phytanic acid storage disease; PEROXISOME BIOGENESIS DISORDER (NEONATAL ADRENOLEUKODYSTROPHY/INFANTILE REFSUM DISEASE); INFANTILE PHYTANIC ACID STORAGE DISEASE; PEROXISOME BIOGENESIS DISORDER (NALD/IRD). Identifiers: Orphanet 44, MedGen C0282527, MONDO:0011101, OMIM 601539.
Peroxisome biogenesis disorder. Identifiers: Orphanet 79189, MedGen C1832200, MONDO:0019234. Disease mechanism: loss of function.
Peroxisome biogenesis disorder 1A (Zellweger) (PBD1A). Also called: Zellweger leukodystrophy; Peroxisome biogenesis disorder 1a. Identifiers: MedGen C4721541, MONDO:0008953, OMIM 214100.

Allele frequency attached by ClinVar (database versions not stated): ExAC 0.00002; gnomAD exomes 0.00002; TOPMed 0.00003; gnomAD 0.00005 and 0.00006; ESP Exome Variant Server 0.00008.
gnomAD v4.1: 45 of 1,613,240 alleles (0.0028%); highest among the groups gnomAD compares: Non-Finnish European, 0.0032%; no homozygotes.

Submissions (11):

Labcorp Genetics (formerly Invitae), Labcorp
Classification: Pathogenic for Zellweger spectrum disorders. Last evaluated: 2026-01-21. Review status: criteria provided, single submitter. Criteria: Invitae Variant Classification Sherloc (09022015). Collection method: clinical testing. Allele origin: germline.
Comment: This sequence change affects a donor splice site in intron 18 of the PEX1 gene. It is expected to disrupt RNA splicing. Variants that disrupt the donor or acceptor splice site typically lead to a loss of protein function (PMID: 16199547), and loss-of-function variants in PEX1 are known to be pathogenic (PMID: 21031596, 26387595, 31831025). This variant is present in population databases (rs267608179, gnomAD 0.005%). Disruption of this splice site has been observed in individuals with Zellweger syndrome spectrum disorders (PMID: 15542397, 19105186, 21031596). ClinVar contains an entry for this variant (Variation ID: 188729). Algorithms developed to predict the effect of variants on gene product structure and function are not available or were not evaluated for this variant. Experimental studies have shown that disruption of this splice site affects PEX1 function (PMID: 9398847). Algorithms developed to predict the effect of sequence changes on RNA splicing suggest that this variant may disrupt the consensus splice site. For these reasons, this variant has been classified as Pathogenic.

Natera, Inc.
Classification: Pathogenic for Zellweger syndrome. Last evaluated: 2025-05-08. Review status: criteria provided, single submitter. Criteria: Natera Variant Classification Schema (03/2026). Collection method: clinical testing. Allele origin: germline.
Comment: The c.2926+1G>A variant in PEX1 is a canonical splice donor site variant predicted to affect pre-mRNA splicing, which may result in an abnormal transcript and altered protein product. This variant is expected to result in nonsense mediated decay, truncation, or a dysfunctional protein product. This variant is rare in the general population with a frequency below the threshold expected for the associated phenotype(s). This variant has been observed in one or more individuals affected with the associated recessive disease, as either homozygous or compound heterozygous with a second variant (PMID: 15542397). Another variant at this same site results in an alteration predicted to cause a similar molecular effect has been observed in individual(s) with the associated phenotype. Given the available evidence, this variant is classified as Pathogenic.

CeGaT Center for Human Genetics Tuebingen
Classification: Pathogenic. Last evaluated: 2025-02-01. Review status: criteria provided, single submitter. Criteria: CeGaT Center For Human Genetics Tuebingen Variant Classification Criteria Version 2. Collection method: clinical testing. Allele origin: germline. Affected: yes. Observed: 1 variant allele.
Comment: PEX1: PVS1, PM2, PM3

GeneDx
Classification: Pathogenic. Last evaluated: 2024-08-01. Review status: criteria provided, single submitter. Criteria: GeneDx Variant Classification Process June 2021. Collection method: clinical testing. Allele origin: germline. Affected: yes.
Comment: Canonical splice site variant predicted to result in a null allele in a gene for which loss of function is a known mechanism of disease; Not observed at significant frequency in large population cohorts (gnomAD); This variant is associated with the following publications: (PMID: 25525159, 9398847, 16086329, Parsamanesh2021[Case Report], 21031596, 15542397, 19105186, 9398848, 16141001, 31964843)

Clinical Genomics Laboratory, Washington University in St. Louis
Classification: Pathogenic for Peroxisome biogenesis disorder 1A (Zellweger). Last evaluated: 2024-02-08. Review status: criteria provided, single submitter. Criteria: ACMG Guidelines, 2015. Collection method: clinical testing. Allele origin: germline.
Comment: The PEX1 c.2926+1G>A variant has been observed in affected individuals with Peroxisome biogenesis disorder 1a, also known as Zellweger syndrome (Portsteffen H et al., PMID: 9398848; Reuber BE et al., PMID: 9398847; Rosewich H et al., PMID: 16141001; Yik WY et al., PMID: 19105186). This variant occurs within the canonical splice donor site, which is predicted to cause skipping of the exon, leading to an out of frame transcript. Functional studies show defects in the peroxisomal matrix protein import and destabilization of PEX5, the receptor for the type-1 peroxisomal targeting signal, indicating that this variant impacts protein function (Reuber BE et al., PMID: 9398847). This variant is only observed on 7 out of 282,690 alleles in the general population (gnomAD v.2.1.1), indicating it is not a common variant. This variant has been reported in the ClinVar database as a pathogenic or likely pathogenic germline variant by eight submitters. Based on available information and the ACMG/AMP guidelines for variant interpretation (Richards S et al., PMID: 25741868), this variant is classified as pathogenic.

Baylor Genetics
Classification: Pathogenic for Heimler syndrome 1. Last evaluated: 2023-12-17. Review status: criteria provided, single submitter. Criteria: ACMG Guidelines, 2015. Collection method: clinical testing. Allele origin: unknown.

Myriad Genetics, Inc.
Classification: Likely pathogenic for Peroxisome biogenesis disorder. Last evaluated: 2021-11-10. Review status: criteria provided, single submitter. Criteria: Myriad Autosomal Dominant, Autosomal Recessive and X-Linked Classification Criteria (2023). Collection method: clinical testing. Allele origin: unknown.
Comment: NM_000466.2(PEX1):c.2926+1G>A is a canonical splice variant classified as likely pathogenic in the context of peroxisome biogenesis disorder type 1. c.2926+1G>A has been observed in cases with relevant disease (PMID: 19105186, 15542397). Functional assessments of this variant are available in the literature (PMID: 9398847). c.2926+1G>A has been observed in population frequency databases (gnomAD NFE 0.004%). In summary, NM_000466.2(PEX1):c.2926+1G>A is a canonical splice variant in a gene where loss of function is a known mechanism of disease, is predicted to disrupt protein function, and has been observed more frequently in cases with the relevant disease than in healthy populations. Please note: this variant was assessed in the context of healthy population screening.

Ambry Genetics
Classification: Likely pathogenic for Inborn genetic diseases. Last evaluated: 2021-11-05. Review status: criteria provided, single submitter. Criteria: Ambry Variant Classification Scheme 2023. Collection method: clinical testing. Allele origin: germline.
Comment: The c.2926+1G>A intronic variant results from a G to A substitution one nucleotide after coding exon 18 of the PEX1 gene. Alterations that disrupt the canonical splice site are expected to cause aberrant splicing, resulting in an abnormal protein or a transcript that is subject to nonsense-mediated mRNA decay. Based on data from gnomAD, the A allele has an overall frequency of <0.01% (7/282690) total alleles studied. This variant has been reported in individuals with PEX1-related peroxisome biogenesis spectrum disorder, including one compound heterozygous individual and one individual with no reported second variant (Reuber, 1997; Portsteffen, 1997; Yik, 2009). In silico splice site analysis predicts that this alteration will weaken the native splice donor site. Based on the available evidence, this alteration is classified as likely pathogenic.

Baylor Genetics
Classification: Pathogenic for Peroxisome biogenesis disorder 1B. Last evaluated: 2019-12-17. Review status: criteria provided, single submitter. Criteria: ACMG Guidelines, 2015. Collection method: clinical testing. Allele origin: unknown. Affected: yes.
Comment: This variant was determined to be pathogenic according to ACMG Guidelines, 2015 [PMID:25741868].

Women's Health and Genetics/Laboratory Corporation of America, LabCorp
Classification: Pathogenic for Peroxisome biogenesis disorders, Zellweger syndrome spectrum. Last evaluated: 2019-10-18. Review status: criteria provided, single submitter. Criteria: LabCorp Variant Classification Summary - May 2015. Collection method: clinical testing. Allele origin: germline.
Comment: Variant summary: PEX1 c.2926+1G>A is located in a canonical splice-site and is predicted to affect mRNA splicing resulting in a significantly altered protein due to either exon skipping, shortening, or inclusion of intronic material. Several computational tools predict a significant impact on normal splicing: Three predict that the variant abolishes a 5 prime splicing donor site. At least one publication reports experimental evidence that this variant affects mRNA splicing (e.g. Reuber_1997). The variant allele was found at a frequency of 2e-05 in 251300 control chromosomes (gnomAD). c.2926+1G>A has been reported in the literature in individuals affected with Zellweger Syndrome spectrum disorder (e.g. Steinberg_2004, Reuber_1997, Yik_2009, Ebberink_2010) . These data indicate that the variant is likely to be associated with disease. Three clinical diagnostic laboratories have submitted clinical-significance assessments for this variant to ClinVar after 2014 without evidence for independent evaluation. All laboratories classified the variant as pathogenic/likely pathogenic. Based on the evidence outlined above, the variant was classified as pathogenic.

Eurofins Ntd Llc (ga)
Classification: Pathogenic. Last evaluated: 2016-03-25. Review status: criteria provided, single submitter. Criteria: EGL Classification Definitions 2015. Collection method: clinical testing. Allele origin: germline. Observed: 1 variant allele, 1 heterozygote.

Literature cited by the submitters: PubMed 16199547 (cited by Labcorp Genetics (formerly Invitae), Labcorp); PubMed 21031596 (cited by Labcorp Genetics (formerly Invitae), Labcorp and Women's Health and Genetics/Laboratory Corporation of America, LabCorp); PubMed 26387595 (cited by Labcorp Genetics (formerly Invitae), Labcorp); PubMed 31831025 (cited by Labcorp Genetics (formerly Invitae), Labcorp); PubMed 15542397 (cited by 4 submitters); PubMed 19105186 (cited by 4 submitters); PubMed 9398847 (cited by 4 submitters); PubMed 9398848 (cited by Ambry Genetics).